The following is an entry in ClinVar:

NM_000284.4(PDHA1):c.1116_1154dup (p.Ile384_Lys385insAsnProProPheGluValArgGlyAlaAsnGlnTrpIle)

Gene: PDHA1 (pyruvate dehydrogenase E1 subunit alpha 1; plus strand). Cytogenetic location: Xp22.12.
Variant type: Duplication.
Coding change: c.1116_1154dup on transcript NM_000284.4 (MANE Select); coding-DNA positions 1116 to 1154, 39 bases duplicated.
Protein change: p.Ile384_Lys385insAsnProProPheGluValArgGlyAlaAsnGlnTrpIle.
Molecular consequence: inframe insertion.
Genome position (GRCh38, 1-based): chrX:19,359,596-19,359,634, 39 bases duplicated; duplicating any 39 consecutive bases within chrX:19,359,595-19,359,634 gives the same sequence; the c. name uses the placement nearest the transcript's 3' end. GRCh37 (hg19): chrX:19,377,714-19,377,752.
Other names: c.1230_1268dup, p.Ile422_Lys423insAsnProProPheGluValArgGlyAlaAsnGlnTrpIle (NM_001173454.2); c.1137_1175dup, p.Ile391_Lys392insAsnProProPheGluValArgGlyAlaAsnGlnTrpIle (NM_001173455.2); c.1023_1061dup, p.Ile353_Lys354insAsnProProPheGluValArgGlyAlaAsnGlnTrpIle (NM_001173456.2).
Identifiers: ClinVar variation 4070459 (VCV004070459.1).

ClinVar aggregate classification (germline): Likely pathogenic (0 of 4 stars; one submission).

Conditions:
Pyruvate dehydrogenase E1-alpha deficiency (PDHAD). Also called: ATAXIA, INTERMITTENT, WITH PYRUVATE DEHYDROGENASE DEFICIENCY; ATAXIA WITH LACTIC ACIDOSIS I; ATAXIA, INTERMITTENT, WITH ABNORMAL PYRUVATE METABOLISM; Ataxia, intermittent, with pyruvate dehydrogenase, or decarboxylase, deficiency. Identifiers: Orphanet 79243, MedGen C1839413, MONDO:0010717, OMIM 312170.

Submission:

PDHA1 Study Group, University Children’s Hospital, Paracelsus Medical University
Classification: Likely pathogenic for Pyruvate dehydrogenase E1-alpha deficiency. Last evaluated: 2024-10-15. Review status: no assertion criteria provided. Collection method: research. Allele origin: germline. Affected: yes. Observed: 1 variant allele.
Comment: The NM_000284.3:c.1116_1154dup (p.Ile384_Lys385insAsnProProPheGluValArgGlyAlaAsnGlnTrpIle) change is a deletion-insertion (delins) variant in PDHA1 gene. The variant has been reported in 1 published case (PMIDs: 8664900). Last literature search: July 12, 2024. This variant is absent or extremely rare in population-based cohorts in the Genome Aggregation Database (gnomAD). Individuals harboring this variant presented with clinical features compatible with PDHA1-related PDHc deficiency. In summary, this variant meets criteria to be classified as pathogenic (P) for PDHA1-related PDHc deficiency based on the ACMG/AMP criteria applied: PVS1, PM2, PM7 (last assessment October 15, 2024).

Literature cited by the submitters: PubMed 8664900; DOI 10.1093/brain/awaf430.